The following is an entry in ClinVar:

NM_006059.4(LAMC3):c.2567C>T (p.Ala856Val)

Gene: LAMC3 (laminin subunit gamma 3; plus strand). Cytogenetic location: 9q34.12.
Variant type: single nucleotide variant.
Coding change: c.2567C>T on transcript NM_006059.4 (MANE Select); coding-DNA position 2567, C replaced by T.
Protein change: p.Ala856Val; replaces alanine 856 with valine.
Molecular consequence: missense variant.
Genome position (GRCh38, 1-based): chr9:131,067,179, C>T. VCF-style: chr9-131067179-C-T. GRCh37 (hg19) VCF-style: chr9-133942566-C-T.
Other names: short protein forms A856V.
Identifiers: ClinVar variation 1921882 (VCV001921882.4), dbSNP rs1564383929, ClinGen allele CA375253470.

ClinVar aggregate classification (germline): Uncertain significance (1 of 4 stars; one submission).

gnomAD v4.1: 3 of 1,614,066 alleles (0.00019%); highest among the groups gnomAD compares: South Asian, 0.0011%; no homozygotes.

Submission:

Labcorp Genetics (formerly Invitae), Labcorp
Classification: Uncertain significance. Last evaluated: 2022-05-27. Review status: criteria provided, single submitter. Criteria: Invitae Variant Classification Sherloc (09022015). Collection method: clinical testing. Allele origin: germline.
Comment: This sequence change replaces alanine, which is neutral and non-polar, with valine, which is neutral and non-polar, at codon 856 of the LAMC3 protein (p.Ala856Val). This variant is not present in population databases (gnomAD no frequency). This variant has not been reported in the literature in individuals affected with LAMC3-related conditions. Algorithms developed to predict the effect of missense changes on protein structure and function output the following: SIFT: "Tolerated"; PolyPhen-2: "Possibly Damaging"; Align-GVGD: "Class C0". The valine amino acid residue is found in multiple mammalian species, which suggests that this missense change does not adversely affect protein function. In summary, the available evidence is currently insufficient to determine the role of this variant in disease. Therefore, it has been classified as a Variant of Uncertain Significance.